The following is an entry in ClinVar:

ClinVar aggregate classification (germline): Uncertain significance (1 of 4 stars; one submission).

Allele frequency attached by ClinVar (database versions not stated): gnomAD exomes below 0.00001.
gnomAD v4.1: 1 of 1,614,098 alleles (0.000062%); highest among the groups gnomAD compares: Non-Finnish European, 0.000085%; no homozygotes.

Submission:

Labcorp Genetics (formerly Invitae), Labcorp
Classification: Uncertain significance. Last evaluated: 2023-02-08. Review status: criteria provided, single submitter. Criteria: Invitae Variant Classification Sherloc (09022015). Collection method: clinical testing. Allele origin: germline.
Comment: This sequence change replaces proline, which is neutral and non-polar, with threonine, which is neutral and polar, at codon 811 of the ACACA protein (p.Pro811Thr). This variant is not present in population databases (gnomAD no frequency). This variant has not been reported in the literature in individuals affected with ACACA-related conditions. Algorithms developed to predict the effect of missense changes on protein structure and function are either unavailable or do not agree on the potential impact of this missense change (SIFT: "Deleterious"; PolyPhen-2: "Benign"; Align-GVGD: "Class C0"). In summary, the available evidence is currently insufficient to determine the role of this variant in disease. Therefore, it has been classified as a Variant of Uncertain Significance.

NM_198834.3(ACACA):c.2542C>A (p.Pro848Thr)

Gene: ACACA (acetyl-CoA carboxylase alpha; minus strand). Cytogenetic location: 17q12.
Variant type: single nucleotide variant.
Coding change: c.2542C>A on transcript NM_198834.3 (MANE Select); coding-DNA position 2542, C replaced by A.
Protein change: p.Pro848Thr; replaces proline 848 with threonine.
Molecular consequence: missense variant.
Genome position (GRCh38, 1-based): chr17:37,245,133, G>T on the plus strand (C>A on the coding strand, the complement: ACACA is on the minus strand). VCF-style: chr17-37245133-G-T. GRCh37 (hg19) VCF-style: chr17-35602049-G-T.
Other names: c.2431C>A, p.Pro811Thr (NM_198836.3, NM_198839.3); c.2257C>A, p.Pro753Thr (NM_198837.2); c.2197C>A, p.Pro733Thr (NM_198838.2); short protein forms P753T, P733T, P811T, P848T.
Identifiers: ClinVar variation 2786217 (VCV002786217.3), dbSNP rs2080629394, ClinGen allele CA399191321.